The following is an entry in ClinVar:

ClinVar aggregate classification (germline): Uncertain significance. Review status: criteria provided, multiple submitters, no conflicts (2 of 4 stars). 3 submissions from 3 submitters: Uncertain significance (3). Last evaluated 2024-07-30.

Conditions:
Juvenile polyposis syndrome (JPS). Identifiers: Orphanet 2929, MedGen C0345893, MONDO:0017380, OMIM 174900.
Hereditary cancer-predisposing syndrome. Also called: Neoplastic Syndromes, Hereditary; Hereditary neoplastic syndrome; Tumor predisposition; Hereditary Cancer Syndrome. Identifiers: Orphanet 140162, MedGen C0027672, MeSH D009386, MONDO:0015356.

Allele frequency attached by ClinVar (database versions not stated): gnomAD exomes below 0.00001.
gnomAD v4.1: 1 of 1,614,082 alleles (0.000062%); highest among the groups gnomAD compares: Non-Finnish European, 0.000085%; no homozygotes.

Submissions (3):

Labcorp Genetics (formerly Invitae), Labcorp
Classification: Uncertain significance for Juvenile polyposis syndrome. Last evaluated: 2024-07-30. Review status: criteria provided, single submitter. Criteria: Invitae Variant Classification Sherloc (09022015). Collection method: clinical testing. Allele origin: germline.
Comment: This sequence change replaces methionine, which is neutral and non-polar, with valine, which is neutral and non-polar, at codon 250 of the BMPR1A protein (p.Met250Val). This variant is not present in population databases (gnomAD no frequency). This variant has not been reported in the literature in individuals affected with BMPR1A-related conditions. ClinVar contains an entry for this variant (Variation ID: 843010). Advanced modeling performed at Invitae incorporating data from internal and/or published experimental studies (Invitae) indicates that this missense variant is not expected to disrupt BMPR1A function with a negative predictive value of 95%. In summary, the available evidence is currently insufficient to determine the role of this variant in disease. Therefore, it has been classified as a Variant of Uncertain Significance.

Ambry Genetics
Classification: Uncertain significance for Hereditary cancer-predisposing syndrome. Last evaluated: 2024-04-27. Review status: criteria provided, single submitter. Criteria: Ambry Variant Classification Scheme 2023. Collection method: clinical testing. Allele origin: germline.
Comment: The p.M250V variant (also known as c.748A>G), located in coding exon 7 of the BMPR1A gene, results from an A to G substitution at nucleotide position 748. The methionine at codon 250 is replaced by valine, an amino acid with highly similar properties. This amino acid position is conserved. In addition, the in silico prediction for this alteration is inconclusive. Based on the available evidence, the clinical significance of this variant remains unclear.

GeneDx
Classification: Uncertain significance. Last evaluated: 2023-06-13. Review status: criteria provided, single submitter. Criteria: GeneDx Variant Classification Process June 2021. Collection method: clinical testing. Allele origin: germline. Affected: yes.
Comment: Not observed at significant frequency in large population cohorts (gnomAD); In silico analysis supports that this missense variant does not alter protein structure/function; Has not been previously published as pathogenic or benign to our knowledge

NM_004329.3(BMPR1A):c.748A>G (p.Met250Val)

Gene: BMPR1A (bone morphogenetic protein receptor type 1A; plus strand). Cytogenetic location: 10q23.2.
Variant type: single nucleotide variant.
Coding change: c.748A>G on transcript NM_004329.3 (MANE Select); coding-DNA position 748, A replaced by G.
Protein change: p.Met250Val; replaces methionine 250 with valine.
Molecular consequence: missense variant.
Genome position (GRCh38, 1-based): chr10:86,917,206, A>G. VCF-style: chr10-86917206-A-G. GRCh37 (hg19) VCF-style: chr10-88676963-A-G.
Other names: short protein forms M250V.
Identifiers: ClinVar variation 843010 (VCV000843010.12), dbSNP rs762087997, ClinGen allele CA377457516.